The following is an entry in ClinVar:

ClinVar aggregate classification (germline): Uncertain significance. Review status: criteria provided, multiple submitters, no conflicts (2 of 4 stars). 2 submissions from 2 submitters: Uncertain significance (2). Last evaluated 2025-11-23.

Conditions:
Oligodontia-cancer predisposition syndrome. Also called: TOOTH AGENESIS-COLORECTAL CANCER SYNDROME. Identifiers: Orphanet 300576, MedGen C1837750, MONDO:0012075, OMIM 608615. Disease mechanism: loss of function.
Hereditary cancer-predisposing syndrome. Also called: Neoplastic Syndromes, Hereditary; Tumor predisposition; Hereditary neoplastic syndrome; Hereditary Cancer Syndrome. Identifiers: Orphanet 140162, MedGen C0027672, MeSH D009386, MONDO:0015356.

Submissions (2):

Ambry Genetics
Classification: Uncertain significance for Hereditary cancer-predisposing syndrome. Last evaluated: 2025-11-23. Review status: criteria provided, single submitter. Criteria: Ambry Variant Classification Scheme 2023. Collection method: clinical testing. Allele origin: germline.
Comment: The p.P279H variant (also known as c.836C>A), located in coding exon 2 of the AXIN2 gene, results from a C to A substitution at nucleotide position 836. The proline at codon 279 is replaced by histidine, an amino acid with similar properties. This amino acid position is conserved. In addition, the in silico prediction for this alteration is inconclusive. Based on the available evidence, the clinical significance of this variant remains unclear.

Labcorp Genetics (formerly Invitae), Labcorp
Classification: Uncertain significance for Oligodontia-cancer predisposition syndrome. Last evaluated: 2019-03-03. Review status: criteria provided, single submitter. Criteria: Invitae Variant Classification Sherloc (09022015). Collection method: clinical testing. Allele origin: germline.
Comment: This sequence change replaces proline with histidine at codon 279 of the AXIN2 protein (p.Pro279His). The proline residue is highly conserved and there is a moderate physicochemical difference between proline and histidine. In summary, the available evidence is currently insufficient to determine the role of this variant in disease. Therefore, it has been classified as a Variant of Uncertain Significance. Algorithms developed to predict the effect of missense changes on protein structure and function (SIFT, PolyPhen-2, Align-GVGD) all suggest that this variant is likely to be disruptive, but these predictions have not been confirmed by published functional studies and their clinical significance is uncertain. This variant has not been reported in the literature in individuals with AXIN2-related conditions. This variant is not present in population databases (ExAC no frequency).

NM_004655.4(AXIN2):c.836C>A (p.Pro279His)

Gene: AXIN2 (axin 2; minus strand). Cytogenetic location: 17q24.1.
Variant type: single nucleotide variant.
Coding change: c.836C>A on transcript NM_004655.4 (MANE Select); coding-DNA position 836, C replaced by A.
Protein change: p.Pro279His; replaces proline 279 with histidine.
Molecular consequence: missense variant.
Genome position (GRCh38, 1-based): chr17:65,549,640, G>T on the plus strand (C>A on the coding strand, the complement: AXIN2 is on the minus strand). VCF-style: chr17-65549640-G-T. GRCh37 (hg19) VCF-style: chr17-63545758-G-T.
Other names: c.836C>A, p.Pro279His (NM_001363813.1); short protein forms P279H.
Identifiers: ClinVar variation 837418 (VCV000837418.10), dbSNP rs768915721, ClinGen allele CA400679669.